The following is an entry in ClinVar:

ClinVar aggregate classification (germline): Uncertain significance (1 of 4 stars; one submission).

Conditions:
Inborn genetic diseases. Identifiers: MedGen C0950123, MeSH D030342.

gnomAD v4.1: 1 of 1,613,260 alleles (0.000062%); highest among the groups gnomAD compares: Non-Finnish European, 0.000085%; no homozygotes.

Submission:

Ambry Genetics
Classification: Uncertain significance for Inborn genetic diseases. Last evaluated: 2025-10-29. Review status: criteria provided, single submitter. Criteria: Ambry Variant Classification Scheme 2023. Collection method: clinical testing. Allele origin: germline.
Comment: The p.Y1648C variant (also known as c.4943A>G), located in coding exon 32 of the ANKRD26 gene, results from an A to G substitution at nucleotide position 4943. The tyrosine at codon 1648 is replaced by cysteine, an amino acid with highly dissimilar properties. This amino acid position is conserved. In addition, this alteration is predicted to be tolerated by in silico analysis. Based on the available evidence, the clinical significance of this variant remains unclear.

NM_014915.3(ANKRD26):c.4943A>G (p.Tyr1648Cys)

Gene: ANKRD26 (ankyrin repeat domain 26; minus strand). Cytogenetic location: 10p12.1.
Variant type: single nucleotide variant.
Coding change: c.4943A>G on transcript NM_014915.3 (MANE Select); coding-DNA position 4943, A replaced by G.
Protein change: p.Tyr1648Cys; replaces tyrosine 1648 with cysteine.
Molecular consequence: missense variant.
Genome position (GRCh38, 1-based): chr10:27,012,892, T>C on the plus strand (A>G on the coding strand, the complement: ANKRD26 is on the minus strand). VCF-style: chr10-27012892-T-C. GRCh37 (hg19) VCF-style: chr10-27301821-T-C.
Other names: c.4940A>G, p.Tyr1647Cys (NM_001256053.2); short protein forms Y1647C, Y1648C.
Identifiers: ClinVar variation 4579715 (VCV004579715.1).
Genomic context (GRCh38, chr10:27,012,892, plus strand): 5'-AATTACATGAGAAATTTGAAACCCAAAGGAAAAAAGACAACATAACTAACCTTGCTCAAG[T>C]AGTTCTCCATGCTATTATTTGAAGCCCGTGGATTTGAGGTAGAGATCACTAAGTTTTCTC-3'
Protein context (NP_055730.2, residues 1638-1658): PRASNNSMEN[Tyr1648Cys]LSKMQQELEK